The following is an entry in ClinVar:

ClinVar aggregate classification (germline): Pathogenic. Review status: criteria provided, multiple submitters, no conflicts (2 of 4 stars). 4 submissions from 4 submitters: Pathogenic (2). 2 of the submissions do not count toward it. Last evaluated 2025-12-08.

Conditions:
Retinal dystrophy. Also called: Inherited retinal dystrophy. Identifiers: Orphanet 71862, MedGen C0854723, MeSH D058499, MONDO:0019118, HP:0000556.
Leber congenital amaurosis 7 (LCA7). Identifiers: Orphanet 65, MedGen C3151192, MONDO:0013449, OMIM 613829.
Cone-rod dystrophy 2 (CORD2). Also called: CONE-ROD RETINAL DYSTROPHY; Cone-rod retinal dystrophy 2. Identifiers: Orphanet 1872, MedGen C3489532, MONDO:0007362, OMIM 120970.

Submissions (4):

Labcorp Genetics (formerly Invitae), Labcorp
Classification: Pathogenic for Cone-rod dystrophy 2; Leber congenital amaurosis 7. Last evaluated: 2025-12-08. Review status: criteria provided, single submitter. Criteria: Invitae Variant Classification Sherloc (09022015). Collection method: clinical testing. Allele origin: germline.
Comment: This sequence change creates a premature translational stop signal (p.Ser206Profs*13) in the CRX gene. While this is not anticipated to result in nonsense mediated decay, it is expected to disrupt the last 94 amino acid(s) of the CRX protein. This variant is not present in population databases (gnomAD no frequency). This premature translational stop signal has been observed in individuals with clinical features of cone-rod dystrophy (PMID: 15531334; internal data). ClinVar contains an entry for this variant (Variation ID: 99618). Experimental studies and prediction algorithms are not available or were not evaluated, and the functional significance of this variant is currently unknown. This variant disrupts a region of the CRX protein in which other variant(s) (p.Tyr258*) have been determined to be pathogenic (PMID: 22968130, 25270190). This suggests that this is a clinically significant region of the protein, and that variants that disrupt it are likely to be disease-causing. For these reasons, this variant has been classified as Pathogenic.

Dept Of Ophthalmology, Nagoya University
Classification: Pathogenic for Retinal dystrophy. Last evaluated: 2023-10-01. Review status: criteria provided, single submitter. Criteria: Submitter's publication. Collection method: research. Allele origin: germline. Affected: yes.

OMIM
Classification: Pathogenic for CONE-ROD DYSTROPHY 2. Last evaluated: 2004-11-01. Review status: no assertion criteria provided. Collection method: literature only. Allele origin: germline. Not counted in ClinVar's aggregate classification.

Retina International
No classification provided. Review status: no classification provided. Collection method: not provided. Allele origin: not provided. Not counted in ClinVar's aggregate classification.

Literature cited by the submitters: PubMed 15531334 (cited by Labcorp Genetics (formerly Invitae), Labcorp and OMIM); PubMed 22968130 (cited by Labcorp Genetics (formerly Invitae), Labcorp); PubMed 25270190 (cited by Labcorp Genetics (formerly Invitae), Labcorp).

NM_000554.6(CRX):c.615del (p.Ser206fs)

Gene: CRX (cone-rod homeobox; plus strand). Cytogenetic location: 19q13.33.
Variant type: Deletion.
Coding change: c.615del on transcript NM_000554.6 (MANE Select); coding-DNA position 615, one base deleted (C; older notation c.615delC).
Protein change: p.Ser206fs; shifts the reading frame from serine 206.
Molecular consequence: frameshift variant.
Genome position (GRCh38, 1-based): chr19:47,839,682, C deleted; the last of 5 consecutive C bases (chr19:47,839,678-47,839,682); deleting any one gives the same sequence. VCF-style (leftmost placement, unchanged base first): chr19-47839677-TC-T. GRCh37 (hg19) VCF-style: chr19-48342934-TC-T.
Other names: c.615delC (NM_000554.6); short protein forms S206fs.
Identifiers: ClinVar variation 99618 (VCV000099618.7), dbSNP rs281865516, ClinGen allele CA227641.